The following is an entry in ClinVar:

ClinVar aggregate classification (germline): Likely pathogenic. Review status: criteria provided, multiple submitters, no conflicts (2 of 4 stars). 2 submissions from 2 submitters: Likely pathogenic (2). Last evaluated 2019-01-01.

Conditions:
Landau-Kleffner syndrome (FESD). Also called: EPILEPSY, FOCAL, WITH SPEECH DISORDER AND WITH OR WITHOUT MENTAL RETARDATION; APHASIA, ACQUIRED, WITH EPILEPSY. Identifiers: Orphanet 1945, Orphanet 725, Orphanet 98818, MedGen C0282512, MONDO:0009509, OMIM 245570.

Submissions (2):

Institute of Human Genetics, University of Leipzig Medical Center
Classification: Likely pathogenic for Landau-Kleffner syndrome. Last evaluated: 2019-01-01. Review status: criteria provided, single submitter. Criteria: ACMG Guidelines, 2015. Collection method: research. Allele origin: unknown. Affected: yes.

GeneDx
Classification: Likely pathogenic. Last evaluated: 2016-03-03. Review status: criteria provided, single submitter. Criteria: GeneDx Variant Classification (06012015). Collection method: clinical testing. Allele origin: germline. Affected: yes.
Comment: A W55X variant that is likely pathogenic has been identified in the GRIN2A gene. The W55X variant has not been published as a pathogenic variant, nor has it been reported as a benign variant to our knowledge. It was not observed in approximately 6,500 individuals of European and African American ancestry in the NHLBI Exome Sequencing Project, indicating it is not a common benign variant in these populations. The W55X nonsense variant is predicted to cause loss of normal protein function either through protein truncation or nonsense-mediated mRNA decay. Therefore, this variant is likely pathogenic; however, the possibility that it is benign cannot be excluded.

Literature cited by the submitters: PubMed 30544257 (cited by Institute of Human Genetics, University of Leipzig Medical Center).

NM_001134407.3(GRIN2A):c.165G>A (p.Trp55Ter)

Gene: GRIN2A (glutamate ionotropic receptor NMDA type subunit 2A; minus strand). Cytogenetic location: 16p13.2.
Variant type: single nucleotide variant.
Coding change: c.165G>A on transcript NM_001134407.3 (MANE Select); coding-DNA position 165, G replaced by A.
Protein change: p.Trp55Ter; replaces tryptophan 55 with a stop codon.
Molecular consequence: nonsense.
Genome position (GRCh38, 1-based): chr16:10,180,247, C>T on the plus strand (G>A on the coding strand, the complement: GRIN2A is on the minus strand). VCF-style: chr16-10180247-C-T. GRCh37 (hg19) VCF-style: chr16-10274104-C-T.
Other names: c.165G>A, p.Trp55Ter (NM_000833.5, NM_001134408.2); short protein forms W55*.
Identifiers: ClinVar variation 383996 (VCV000383996.3), dbSNP rs1057521810, ClinGen allele CA16607095.
Genomic context (GRCh38, chr16:10,180,247, plus strand): 5'-GTTCATCAGCAGAGCTACCACGTTCACGTCCAGGGGCAGCCCCGCCGCCTGCTCGGGGCC[C>T]CACAGTGTTCGAAGTTCGCGCTCTGTCACGTCGTGGCTGTGACCCAGCATCACCGCAATA-3'